The following is an entry in ClinVar:

ClinVar aggregate classification (germline): Likely pathogenic (1 of 4 stars; one submission).

Conditions:
Intellectual developmental disorder, X-linked 112 (XLID112). Identifiers: MedGen C5829589, MONDO:0957496, OMIM 301111.

Submission:

3billion
Classification: Likely pathogenic for Intellectual developmental disorder, X-linked 112. Last evaluated: 2024-11-25. Review status: criteria provided, single submitter. Criteria: ACMG Guidelines, 2015. Collection method: clinical testing. Allele origin: germline. Affected: yes.
Comment: The variant is not observed in the gnomAD v4.1.0 dataset. Predicted Consequence/Location: Missense variant. Missense changes are a common disease-causing mechanism. In silico tool predictions suggest damaging effect of the variant on gene or gene product [3Cnet: 0.67 (>=0.6, sensitivity 0.72 and precision 0.9)]. A different missense change at the same codon (p.Arg1294Cys) has been reported as pathogenic/likely pathogenic with strong evidence (ClinVar ID: VCV000252553 /PMID: 36586412). Therefore, this variant is classified as Likely pathogenic according to the recommendation of ACMG/AMP guideline.

Literature cited by the submitters: PubMed 36586412.

NM_201599.3(ZMYM3):c.3881G>A (p.Arg1294His)

Gene: ZMYM3 (zinc finger MYM-type containing 3; minus strand). Cytogenetic location: Xq13.1.
Variant type: single nucleotide variant.
Coding change: c.3881G>A on transcript NM_201599.3 (MANE Select); coding-DNA position 3881, G replaced by A.
Protein change: p.Arg1294His; replaces arginine 1294 with histidine.
Molecular consequence: missense variant.
Genome position (GRCh38, 1-based): chrX:71,241,266, C>T on the plus strand (G>A on the coding strand, the complement: ZMYM3 is on the minus strand). VCF-style: chrX-71241266-C-T. GRCh37 (hg19) VCF-style: chrX-70461116-C-T.
Other names: c.3845G>A, p.Arg1282His (NM_001171162.1); c.3881G>A, p.Arg1294His (NM_005096.3); short protein forms R1282H, R1294H.
Identifiers: ClinVar variation 4291783 (VCV004291783.1).